The following is an entry in ClinVar:

ClinVar aggregate classification (germline): Conflicting classifications of pathogenicity. Review status: criteria provided, conflicting classifications (1 of 4 stars). 4 submissions from 4 submitters: Uncertain significance (3); Likely benign (1). Last evaluated 2025-11-04.

Conditions:
TTN-related disorder. Also called: TTN-related disorders; TTN-related condition; TTN-related disease.
Cardiomyopathy (CMYO). Also called: Cardiomyopathies. Identifiers: Orphanet 167848, MedGen C0878544, MONDO:0004994, HP:0001638. Inheritance: Various modes of inheritance.

Allele frequency attached by ClinVar (database versions not stated): TOPMed 0.00002; gnomAD 0.00004.
gnomAD v4.1: 15 of 1,613,232 alleles (0.00093%); highest among the groups gnomAD compares: East Asian, 0.02%; no homozygotes.

Submissions (4):

PreventionGenetics, part of Exact Sciences
Classification: Uncertain significance for TTN-related condition. Last evaluated: 2025-11-04. Review status: criteria provided, single submitter. Criteria: ACMG Guidelines, 2015. Collection method: clinical testing. Allele origin: germline.
Comment: The TTN c.65161T>C variant is predicted to result in the amino acid substitution p.Cys21721Arg. To our knowledge, this variant has not been reported in the literature. This variant is reported in 0.062% of alleles in individuals of East Asian descent in gnomAD. Although we suspect that this variant may be benign, at this time, the clinical significance of this variant is uncertain due to the absence of conclusive functional and genetic evidence.

CHEO Genetics Diagnostic Laboratory, Children's Hospital of Eastern Ontario
Classification: Likely benign for Cardiomyopathy. Last evaluated: 2021-02-26. Review status: criteria provided, single submitter. Criteria: ACMG Guidelines, 2015. Collection method: clinical testing. Allele origin: germline.

Eurofins Ntd Llc (ga)
Classification: Uncertain significance. Last evaluated: 2017-08-22. Review status: criteria provided, single submitter. Criteria: EGL Classification Definitions 2015. Collection method: clinical testing. Allele origin: germline. Observed: 1 variant allele, 1 heterozygote.

Laboratory for Molecular Medicine, Mass General Brigham Personalized Medicine
Classification: Uncertain significance. Last evaluated: 2015-02-18. Review status: criteria provided, single submitter. Criteria: LMM Criteria. Collection method: clinical testing. Allele origin: germline. Observed: 1 variant allele.
Comment: The p.Cys19153Arg variant in TTN has not been previously reported in individuals with cardiomyopathy, but has been identified in 4/8494 East Asian chromosomes b y the Exome Aggregation Consortium (ExAC). Compu tational prediction tools and conservation analysis suggest that the p.Cys19153A rg variant may impact the protein, though this information is not predictive eno ugh to determine pathogenicity. In summary, the clinical significance of the p.C ys19153Arg variant is uncertain.

NM_001267550.2(TTN):c.65161T>C (p.Cys21721Arg)

Genes: TTN (titin; minus strand), TTN-AS1 (TTN antisense RNA 1; plus strand). Cytogenetic location: 2q31.2.
Variant type: single nucleotide variant.
Coding change: c.65161T>C on transcript NM_001267550.2 (MANE Select); coding-DNA position 65161, T replaced by C.
Protein change: p.Cys21721Arg; replaces cysteine 21721 with arginine.
Molecular consequence: missense variant.
Genome position (GRCh38, 1-based): chr2:178,584,390, A>G on the plus strand (T>C on the coding strand, the complement: TTN is on the minus strand). VCF-style: chr2-178584390-A-G. GRCh37 (hg19) VCF-style: chr2-179449117-A-G.
Other names: c.60238T>C, p.Cys20080Arg (NM_001256850.1); c.37966T>C, p.Cys12656Arg (NM_003319.4); c.38341T>C, p.Cys12781Arg (NM_133432.3); c.38542T>C, p.Cys12848Arg (NM_133437.4); c.57457T>C, p.Cys19153Arg (NM_133378.4); short protein forms C19153R, C21721R, C12656R, C12781R, C12848R, C20080R.
Identifiers: ClinVar variation 229488 (VCV000229488.12), dbSNP rs745497694, ClinGen allele CA1991768.